The following is an entry in ClinVar:

ClinVar aggregate classification (germline): Likely benign. Review status: criteria provided, multiple submitters, no conflicts (2 of 4 stars). 6 submissions from 6 submitters: Likely benign (6). Last evaluated 2026-03-27.

Conditions:
Familial thoracic aortic aneurysm and aortic dissection (TAAD). Also called: Thoracic aortic aneurysms and dissections. Identifiers: Orphanet 91387, MedGen C4707243, MONDO:0019625.
Aortic aneurysm, familial thoracic 8 (AAT8). Identifiers: MedGen C3809513, MONDO:0014187, OMIM 615436.

Allele frequency attached by ClinVar (database versions not stated): TOPMed 0.00002; ESP Exome Variant Server 0.00008.
gnomAD v4.1: 42 of 1,604,976 alleles (0.0026%); highest among the groups gnomAD compares: Non-Finnish European, 0.0035%; no homozygotes.

Submissions (6):

Molecular Diagnostic Laboratory for Inherited Cardiovascular Disease, Montreal Heart Institute
Classification: Likely benign. Last evaluated: 2026-03-27. Review status: criteria provided, single submitter. Criteria: ACMG Guidelines, 2015. Collection method: clinical testing. Allele origin: germline. Affected: no.
Comment: BP7

Labcorp Genetics (formerly Invitae), Labcorp
Classification: Likely benign for Aortic aneurysm, familial thoracic 8. Last evaluated: 2026-01-15. Review status: criteria provided, single submitter. Criteria: Invitae Variant Classification Sherloc (09022015). Collection method: clinical testing. Allele origin: germline.

ARUP Laboratories, Molecular Genetics and Genomics, ARUP Laboratories
Classification: Likely benign for Aortic aneurysm, familial thoracic 8. Last evaluated: 2025-05-27. Review status: criteria provided, single submitter. Criteria: ARUP Molecular Germline Variant Investigation Process 2024. Collection method: clinical testing. Allele origin: germline.

Ambry Genetics
Classification: Likely benign for Familial thoracic aortic aneurysm and aortic dissection. Last evaluated: 2024-10-08. Review status: criteria provided, single submitter. Criteria: Ambry Variant Classification Scheme 2023. Collection method: clinical testing. Allele origin: germline.

Blueprint Genetics
Classification: Likely benign. Last evaluated: 2024-06-07. Review status: criteria provided, single submitter. Criteria: ACMG Guidelines, 2015. Collection method: clinical testing. Allele origin: germline.

Women's Health and Genetics/Laboratory Corporation of America, LabCorp
Classification: Likely benign. Last evaluated: 2023-07-21. Review status: criteria provided, single submitter. Criteria: LabCorp Variant Classification Summary - May 2015. Collection method: clinical testing. Allele origin: germline.

NM_006258.4(PRKG1):c.642A>G (p.Thr214=)

Gene: PRKG1 (protein kinase cGMP-dependent 1; plus strand). Cytogenetic location: 10q21.1.
Variant type: single nucleotide variant.
Coding change: c.642A>G on transcript NM_006258.4 (MANE Select); coding-DNA position 642, A replaced by G.
Protein change: p.Thr214=; no amino-acid change (threonine 214 retained).
Molecular consequence: synonymous variant.
Genome position (GRCh38, 1-based): chr10:51,804,634, A>G. VCF-style: chr10-51804634-A-G. GRCh37 (hg19) VCF-style: chr10-53564394-A-G.
Other names: c.597A>G, p.Thr199= (NM_001098512.3); c.642A>G, p.Thr214= (NM_001374782.1).
Identifiers: ClinVar variation 696021 (VCV000696021.14), dbSNP rs370640208, ClinGen allele CA5503559.